The following is an entry in ClinVar:

ClinVar aggregate classification (germline): Conflicting classifications of pathogenicity. Review status: criteria provided, conflicting classifications (1 of 4 stars). 5 submissions from 5 submitters: Uncertain significance (3); Benign (1); Likely benign (1). Last evaluated 2026-07-27.

Conditions:
Rhabdoid tumor predisposition syndrome 2 (RTPS2). Identifiers: Orphanet 231108, Orphanet 69077, MedGen C2750074, MONDO:0013224, OMIM 613325.
Hereditary nonpolyposis colon cancer (HNPCC). Also called: Hereditary nonpolyposis colorectal cancer; Familial nonpolyposis colon cancer; Hereditary Nonpolyposis Colorectal Cancer Syndrome. Identifiers: Orphanet 443909, MedGen C1333990, MONDO:0018630. Disease mechanism: loss of function.

Allele frequency attached by ClinVar (database versions not stated): ExAC 0.00003; TOPMed 0.00006.
gnomAD v4.1: 38 of 1,613,800 alleles (0.0024%); highest among the groups gnomAD compares: East Asian, 0.013%; no homozygotes.

Submissions (5):

Myriad Genetics, Inc.
Classification: Benign for Rhabdoid tumor predisposition syndrome 2. Last evaluated: 2026-07-27. Review status: criteria provided, single submitter. Criteria: Myriad Autosomal Dominant, Autosomal Recessive and X-Linked Classification Criteria (2023). Collection method: clinical testing. Allele origin: unknown.
Comment: This variant is considered benign. This variant occurs in the non-coding 3' untranslated region of the gene, and is not expected to impact protein function.

Quest Diagnostics Nichols Institute San Juan Capistrano
Classification: Uncertain significance. Last evaluated: 2025-07-10. Review status: criteria provided, single submitter. Criteria: Quest Diagnostics criteria. Collection method: clinical testing. Allele origin: unknown.
Comment: The SMARCA4 c.*9A>T variant has not been reported in individuals with SMARCA4-related conditions in the published literature. The frequency of this variant in the general population (Genome Aggregation Database) is higher than would generally be expected for pathogenic variants in this gene. Based on the available information, we are unable to determine the clinical significance of this variant.

Department of Pathology and Laboratory Medicine, Sinai Health System
Classification: Uncertain significance for hereditary nonpolyposis colon cancer. Last evaluated: 2024-06-25. Review status: criteria provided, single submitter. Criteria: ACMG Guidelines, 2015. Collection method: clinical testing. Allele origin: germline. Affected: yes.

GeneDx
Classification: Likely benign. Last evaluated: 2019-08-30. Review status: criteria provided, single submitter. Criteria: GeneDx Variant Classification Process June 2021. Collection method: clinical testing. Allele origin: germline. Affected: yes.

Genetic Services Laboratory, University of Chicago
Classification: Uncertain significance. Last evaluated: 2019-01-14. Review status: criteria provided, single submitter. Criteria: ACMG Guidelines, 2015. Collection method: clinical testing. Allele origin: germline. Affected: no.

NM_003072.5(SMARCA4):c.*9A>T

Gene: SMARCA4 (SWI/SNF related BAF chromatin remodeling complex subunit ATPase 4; plus strand). Cytogenetic location: 19p13.2.
Variant type: single nucleotide variant.
Coding change: c.*9A>T on transcript NM_003072.5 (MANE Select); 9 bases downstream of the stop codon, A replaced by T.
Molecular consequence: 3 prime UTR variant. On other transcripts: non-coding transcript variant (1).
Genome position (GRCh38, 1-based): chr19:11,061,825, A>T. VCF-style: chr19-11061825-A-T. GRCh37 (hg19) VCF-style: chr19-11172501-A-T.
Other names: c.*9A>T (NM_001128849.2, NM_001128844.3, NM_001128845.2 and 6 more transcripts).
Identifiers: ClinVar variation 389926 (VCV000389926.10), dbSNP rs369766168, ClinGen allele CA9204927.
Genomic context (GRCh38, chr19:11,061,825, plus strand): 5'-CCTCCTGTCCCCTCTCCAGGACCGCTCAGGAAGTGGCAGCGAAGAAGACTGAGCCCCGAC[A>T]TTCCAGTCTCGACCCCGAGCCCCTCGTTCCAGAGCTGAGATGGCATAGGCCTTAGCAGTA-3'